The following is an entry in ClinVar:

ClinVar aggregate classification (germline): Uncertain significance. Review status: criteria provided, multiple submitters, no conflicts (2 of 4 stars). 2 submissions from 2 submitters: Uncertain significance (2). Last evaluated 2025-12-20.

Conditions:
Tatton-Brown-Rahman overgrowth syndrome. Also called: Tall stature-intellectual disability-facial dysmorphism syndrome; Tatton-Brown-Rahman syndrome. Identifiers: Orphanet 404443, MedGen C4014545, MONDO:0014382, OMIM 615879.
DNMT3A-related disorder. Also called: DNMT3A-related disorders; DNMT3A-related condition.

Allele frequency attached by ClinVar (database versions not stated): gnomAD exomes 0.00002; ExAC 0.00003; gnomAD 0.00003; TOPMed 0.00004.
gnomAD v4.1: 34 of 1,613,472 alleles (0.0021%); highest among the groups gnomAD compares: Admixed American, 0.018%; 1 homozygote.

Submissions (2):

Labcorp Genetics (formerly Invitae), Labcorp
Classification: Uncertain significance for Tatton-Brown-Rahman overgrowth syndrome. Last evaluated: 2025-12-20. Review status: criteria provided, single submitter. Criteria: Invitae Variant Classification Sherloc (09022015). Collection method: clinical testing. Allele origin: germline.
Comment: This sequence change replaces asparagine, which is neutral and polar, with serine, which is neutral and polar, at codon 90 of the DNMT3A protein (p.Asn90Ser). This variant is present in population databases (rs769476651, gnomAD 0.01%). This variant has not been reported in the literature in individuals affected with DNMT3A-related conditions. ClinVar contains an entry for this variant (Variation ID: 2040806). Invitae Evidence Modeling of protein sequence and biophysical properties (such as structural, functional, and spatial information, amino acid conservation, physicochemical variation, residue mobility, and thermodynamic stability) indicates that this missense variant is not expected to disrupt DNMT3A protein function with a negative predictive value of 95%. In summary, the available evidence is currently insufficient to determine the role of this variant in disease. Therefore, it has been classified as a Variant of Uncertain Significance.

PreventionGenetics, part of Exact Sciences
Classification: Uncertain significance for DNMT3A-related condition. Last evaluated: 2025-11-11. Review status: criteria provided, single submitter. Criteria: ACMG Guidelines, 2015. Collection method: clinical testing. Allele origin: germline.
Comment: The DNMT3A c.269A>G variant is predicted to result in the amino acid substitution p.Asn90Ser. To our knowledge, this variant has not been reported in the literature. An unspecified variant resulting in the same amino acid substitution (p.Asn90Ser) was reported in an individual with systemic mastocytosis (Gonzalez-Lopez et al. 2022. PubMed ID: 35626091). This variant is reported in 0.014% of alleles in individuals of Latino descent in gnomAD, which is relatively high for DNMT3A-related disease, but not inconsistent with pathogenicity. Although we suspect that this variant may be benign, at this time, the clinical significance of this variant is uncertain due to the absence of conclusive functional and genetic evidence.

NM_022552.5(DNMT3A):c.269A>G (p.Asn90Ser)

Gene: DNMT3A (DNA methyltransferase 3 alpha; minus strand). Cytogenetic location: 2p23.3.
Variant type: single nucleotide variant.
Coding change: c.269A>G on transcript NM_022552.5 (MANE Select); coding-DNA position 269, A replaced by G.
Protein change: p.Asn90Ser; replaces asparagine 90 with serine.
Molecular consequence: missense variant. On other transcripts: non-coding transcript variant (1).
Genome position (GRCh38, 1-based): chr2:25,282,620, T>C on the plus strand (A>G on the coding strand, the complement: DNMT3A is on the minus strand). VCF-style: chr2-25282620-T-C. GRCh37 (hg19) VCF-style: chr2-25505489-T-C.
Other names: c.269A>G, p.Asn90Ser (NM_001320892.2, NM_175629.2, NM_175630.1); short protein forms N90S.
Identifiers: ClinVar variation 2040806 (VCV002040806.5), dbSNP rs769476651, ClinGen allele CA1556499.
Genomic context (GRCh38, chr2:25,282,620, plus strand): 5'-TGCCCCCCAGCAGGGCTCCCCTCCTCTGGCTGGGGCTCACTCCGCTTCTCCAAGTCCCCA[T>C]TGGGTAATAGCTCTGAGGCGCCTGAGTCCTGGGCCATGGATGGGGACTTGGAGATCACCG-3'
Protein context (NP_072046.2, residues 80-100): QDSGASELLP[Asn90Ser]GDLEKRSEPQ